The following is an entry in ClinVar:

NM_015488.5(PNKD):c.486G>A (p.Gly162=)

Genes: CATIP-AS2 (CATIP antisense RNA 2; minus strand), PNKD (PNKD metallo-beta-lactamase domain containing; plus strand). Cytogenetic location: 2q35.
Variant type: single nucleotide variant.
Coding change: c.486G>A on transcript NM_015488.5 (MANE Select); coding-DNA position 486, G replaced by A.
Protein change: p.Gly162=; no amino-acid change (glycine 162 retained).
Molecular consequence: synonymous variant.
Genome position (GRCh38, 1-based): chr2:218,340,748, G>A. VCF-style: chr2-218340748-G-A. GRCh37 (hg19) VCF-style: chr2-219205471-G-A.
Other names: c.414G>A, p.Gly138= (NM_022572.5).
Identifiers: ClinVar variation 260662 (VCV000260662.20), dbSNP rs34014804, ClinGen allele CA2103980.

ClinVar aggregate classification (germline): Benign. Review status: criteria provided, multiple submitters, no conflicts (2 of 4 stars). 7 submissions from 7 submitters: Benign (6). 1 of the submissions does not count toward it. Last evaluated 2026-02-04.

Conditions:
Paroxysmal nonkinesigenic dyskinesia. Also called: Paroxysmal non-kinesigenic dyskinesia. Identifiers: Orphanet 98810, MedGen C1869117, MONDO:0700088.
Paroxysmal nonkinesigenic dyskinesia 1 (PNKD1). Also called: Familial Paroxysmal Nonkinesigenic Dyskinesia; Nonkinesigenic choreoathetosis; Familial paroxysmal choreoathetosis; PxMD-PNKD; MOUNT-REBACK SYNDROME; DYSTONIA 8. Identifiers: Orphanet 98810, MedGen C4551506, MONDO:0700089, OMIM 118800, MONDO:0007326.

Allele frequency attached by ClinVar (database versions not stated): gnomAD exomes 0.04304 and 0.04320; ExAC 0.04387; 1000 Genomes Project 0.05132; 1000 Genomes Project 30x 0.05340; gnomAD 0.06177 and 0.06442; TOPMed 0.06486; ESP Exome Variant Server 0.06582.
gnomAD v4.1: 72,425 of 1,613,360 alleles (4.5%); highest among the groups gnomAD compares: African/African-American, 10%; 1,975 homozygotes.

Submissions (7):

Labcorp Genetics (formerly Invitae), Labcorp
Classification: Benign for Paroxysmal nonkinesigenic dyskinesia. Last evaluated: 2026-02-04. Review status: criteria provided, single submitter. Criteria: Invitae Variant Classification Sherloc (09022015). Collection method: clinical testing. Allele origin: germline.

GeneDx
Classification: Benign. Last evaluated: 2018-08-11. Review status: criteria provided, single submitter. Criteria: GeneDx Variant Classification Process June 2021. Collection method: clinical testing. Allele origin: germline. Affected: yes.

Illumina Laboratory Services, Illumina
Classification: Benign for Paroxysmal nonkinesigenic dyskinesia 1. Last evaluated: 2018-01-12. Review status: criteria provided, single submitter. Criteria: ICSL Variant Classification Criteria 13 December 2019. Collection method: clinical testing. Allele origin: germline.
Comment: This variant was observed in the ICSL laboratory as part of a predisposition screen in an ostensibly healthy population. It had not been previously curated by ICSL or reported in the Human Gene Mutation Database (HGMD: prior to June 1st, 2018), and was therefore a candidate for classification through an automated scoring system. Utilizing variant allele frequency, disease prevalence and penetrance estimates, and inheritance mode, an automated score was calculated to assess if this variant is too frequent to cause the disease. Based on the score and internal cut-off values, a variant classified as benign is not then subjected to further curation. The score for this variant resulted in a classification of benign for this disease.

Athena Diagnostics
Classification: Benign for Paroxysmal nonkinesigenic dyskinesia 1. Last evaluated: 2017-06-09. Review status: criteria provided, single submitter. Criteria: Athena Diagnostics Criteria. Collection method: clinical testing. Allele origin: germline.

Breakthrough Genomics
Classification: Benign. Review status: criteria provided, single submitter. Criteria: ACMG Guidelines, 2015. Collection method: not provided. Allele origin: germline. Inheritance: Autosomal dominant inheritance. Affected: yes.

PreventionGenetics, part of Exact Sciences
Classification: Benign. Review status: criteria provided, single submitter. Criteria: ACMG Guidelines, 2015. Collection method: clinical testing. Allele origin: germline.

Mayo Clinic Laboratories, Mayo Clinic
Classification: Benign. Last evaluated: 2016-02-25. Review status: no assertion criteria provided. Collection method: clinical testing. Allele origin: unknown. Not counted in ClinVar's aggregate classification.